The following is an entry in ClinVar:

ClinVar aggregate classification (germline): Uncertain significance (1 of 4 stars; one submission).

Conditions:
Inborn genetic diseases. Identifiers: MedGen C0950123, MeSH D030342.

gnomAD v4.1: 1 of 1,613,190 alleles (0.000062%); highest among the groups gnomAD compares: Non-Finnish European, 0.000085%; no homozygotes.

Submission:

Ambry Genetics
Classification: Uncertain significance for Inborn genetic diseases. Last evaluated: 2025-04-17. Review status: criteria provided, single submitter. Criteria: Ambry Variant Classification Scheme 2023. Collection method: clinical testing. Allele origin: germline.
Comment: The p.L496F variant (also known as c.1486C>T), located in coding exon 9 of the FANCM gene, results from a C to T substitution at nucleotide position 1486. The leucine at codon 496 is replaced by phenylalanine, an amino acid with highly similar properties. This amino acid position is conserved. In addition, this alteration is predicted to be tolerated by in silico analysis. Based on the available evidence, the clinical significance of this variant remains unclear.

NM_020937.4(FANCM):c.1486C>T (p.Leu496Phe)

Gene: FANCM (FA complementation group M; plus strand). Cytogenetic location: 14q21.2.
Variant type: single nucleotide variant.
Coding change: c.1486C>T on transcript NM_020937.4 (MANE Select); coding-DNA position 1486, C replaced by T.
Protein change: p.Leu496Phe; replaces leucine 496 with phenylalanine.
Molecular consequence: missense variant.
Genome position (GRCh38, 1-based): chr14:45,159,185, C>T. VCF-style: chr14-45159185-C-T. GRCh37 (hg19) VCF-style: chr14-45628388-C-T.
Other names: c.1408C>T, p.Leu470Phe (NM_001308133.2); c.1486C>T, p.Leu496Phe (NM_001308134.2); short protein forms L470F, L496F.
Identifiers: ClinVar variation 4022694 (VCV004022694.1).